The following is an entry in ClinVar:

ClinVar aggregate classification (germline): Likely pathogenic (1 of 4 stars; one submission).

Conditions:
Mosaic variegated aneuploidy syndrome 1 (MVA1). Also called: Warburton-Anyane-Yeboa syndrome. Identifiers: Orphanet 1052, MedGen C1850343, MONDO:0009759, OMIM 257300.

Submission:

Labcorp Genetics (formerly Invitae), Labcorp
Classification: Likely pathogenic for Mosaic variegated aneuploidy syndrome 1. Last evaluated: 2020-10-21. Review status: criteria provided, single submitter. Criteria: Invitae Variant Classification Sherloc (09022015). Collection method: clinical testing. Allele origin: germline.
Comment: This variant is not present in population databases (ExAC no frequency). In summary, the currently available evidence indicates that the variant is pathogenic, but additional data are needed to prove that conclusively. Therefore, this variant has been classified as Likely Pathogenic. Algorithms developed to predict the effect of sequence changes on RNA splicing suggest that this variant may disrupt the consensus splice site, but this prediction has not been confirmed by published transcriptional studies. This variant has not been reported in the literature in individuals with BUB1B-related conditions. This sequence change affects an acceptor splice site in intron 18 of the BUB1B gene. It is expected to disrupt RNA splicing. Variants that disrupt the donor or acceptor splice site typically lead to a loss of protein function (PMID: 16199547), and loss-of-function variants in BUB1B are known to be pathogenic (PMID: 15475955, 21190457).

Literature cited by the submitters: PubMed 16199547; PubMed 15475955; PubMed 21190457.

NM_001211.6(BUB1B):c.2386-2A>G

Gene: BUB1B (BUB1 mitotic checkpoint serine/threonine kinase B; plus strand). Cytogenetic location: 15q15.1.
Variant type: single nucleotide variant.
Coding change: c.2386-2A>G on transcript NM_001211.6 (MANE Select); the canonical splice acceptor site of the intron before coding-DNA position 2386, A replaced by G.
Molecular consequence: splice acceptor variant.
Genome position (GRCh38, 1-based): chr15:40,212,497, A>G. VCF-style: chr15-40212497-A-G. GRCh37 (hg19) VCF-style: chr15-40504698-A-G.
Identifiers: ClinVar variation 1066212 (VCV001066212.9), dbSNP rs2037726277, ClinGen allele CA391695090.